The following is an entry in ClinVar:

ClinVar aggregate classification (germline): Benign (1 of 4 stars; one submission).

Conditions:
Episodic ataxia type 6. Identifiers: Orphanet 209967, MedGen C2675211, MONDO:0012982, OMIM 612656.

Allele frequency attached by ClinVar (database versions not stated): gnomAD 0.00492 and 0.00531; TOPMed 0.00513; 1000 Genomes Project 0.00679; 1000 Genomes Project 30x 0.00718.

Submission:

Illumina Laboratory Services, Illumina
Classification: Benign for Episodic ataxia type 6. Last evaluated: 2018-01-13. Review status: criteria provided, single submitter. Criteria: ICSL Variant Classification Criteria 13 December 2019. Collection method: clinical testing. Allele origin: germline.
Comment: This variant was observed in the ICSL laboratory as part of a predisposition screen in an ostensibly healthy population. It had not been previously curated by ICSL or reported in the Human Gene Mutation Database (HGMD: prior to June 1st, 2018), and was therefore a candidate for classification through an automated scoring system. Utilizing variant allele frequency, disease prevalence and penetrance estimates, and inheritance mode, an automated score was calculated to assess if this variant is too frequent to cause the disease. Based on the score and internal cut-off values, a variant classified as benign is not then subjected to further curation. The score for this variant resulted in a classification of benign for this disease.

NM_004172.5(SLC1A3):c.*1050G>C

Genes: SLC1A3 (solute carrier family 1 member 3; plus strand), SLC1A3-AS1 (SLC1A3 antisense RNA 1; minus strand). Cytogenetic location: 5p13.2.
Variant type: single nucleotide variant.
Coding change: c.*1050G>C on transcript NM_004172.5 (MANE Select); 1050 bases downstream of the stop codon, G replaced by C.
Molecular consequence: 3 prime UTR variant.
Genome position (GRCh38, 1-based): chr5:36,687,319, G>C. VCF-style: chr5-36687319-G-C. GRCh37 (hg19) VCF-style: chr5-36687421-G-C.
Other names: c.*1050G>C (NM_001166695.3, NM_001289939.2, NM_001289940.2).
Identifiers: ClinVar variation 353345 (VCV000353345.5), dbSNP rs114505475, ClinGen allele CA10620319.